The following is an entry in ClinVar:

ClinVar aggregate classification (germline): Uncertain significance (1 of 4 stars; one submission).

Submission:

Labcorp Genetics (formerly Invitae), Labcorp
Classification: Uncertain significance. Last evaluated: 2025-09-30. Review status: criteria provided, single submitter. Criteria: Invitae Variant Classification Sherloc (09022015). Collection method: clinical testing. Allele origin: germline.
Comment: This variant, c.1329_1334dup, results in the insertion of 2 amino acid(s) of the AHDC1 protein (p.Gly444_Pro445dup), but otherwise preserves the integrity of the reading frame. This variant is present in population databases (no rsID available, gnomAD 0.004%). This variant has not been reported in the literature in individuals affected with AHDC1-related conditions. In summary, the available evidence is currently insufficient to determine the role of this variant in disease. Therefore, it has been classified as a Variant of Uncertain Significance.

NM_001371928.1(AHDC1):c.1323AGGCCC[3] (p.Pro445_Val446insGlyPro)

Gene: AHDC1 (AT-hook DNA binding motif containing 1; minus strand). Cytogenetic location: 1p36.11.
Variant type: Microsatellite.
Coding change: c.1323AGGCCC[3] on transcript NM_001371928.1 (MANE Select); three copies in a row of the 6-base unit AGGCCC starting at c.1323; the reference has two copies in a row; one copy, 6 bases duplicated.
Protein change: p.Pro445_Val446insGlyPro.
Molecular consequence: inframe insertion.
Genome position (GRCh38, 1-based): chr1:27,550,782-27,550,787, GGGCCT duplicated on the plus strand (AGGCCC on the coding strand, the reverse complement: AHDC1 is on the minus strand); duplicating any 6 consecutive bases within chr1:27,550,782-27,550,795 gives the same sequence; the position shown is the placement nearest the transcript's 3' end. VCF-style (leftmost placement, unchanged base first): chr1-27550781-C-CGGGCCT. GRCh37 (hg19) VCF-style: chr1-27877292-C-CGGGCCT.
Other names: c.1323AGGCCC[3], p.Pro445_Val446insGlyPro (NM_001029882.3).
Identifiers: ClinVar variation 4694453 (VCV004694453.1).
Genomic context (GRCh38, chr1:27,550,781, plus strand): 5'-TTTGCGGGTAGAGACCACTGGGGTCTGGGAAGATTCCGGCTTCAACTCTGGGACTGAGAC[C>CGGGCCT]GGGCCTGGGCCTGGCAGGGCAGGGGGTGGAGGAGGCGGTGGTGGTGGGGGTTCGGCCAGG-3'